The following is an entry in ClinVar:

NM_177924.5(ASAH1):c.719T>G (p.Ile240Ser)

Gene: ASAH1 (N-acylsphingosine amidohydrolase 1; minus strand). Cytogenetic location: 8p22.
Variant type: single nucleotide variant.
Coding change: c.719T>G on transcript NM_177924.5 (MANE Select); coding-DNA position 719, T replaced by G.
Protein change: p.Ile240Ser; replaces isoleucine 240 with serine.
Molecular consequence: missense variant.
Genome position (GRCh38, 1-based): chr8:18,061,443, A>C on the plus strand (T>G on the coding strand, the complement: ASAH1 is on the minus strand). VCF-style: chr8-18061443-A-C. GRCh37 (hg19) VCF-style: chr8-17918952-A-C.
Other names: c.701T>G, p.Ile234Ser (NM_001127505.3); c.524T>G, p.Ile175Ser (NM_001363743.2); c.767T>G, p.Ile256Ser (NM_004315.6); short protein forms I175S, I256S, I234S, I240S.
Identifiers: ClinVar variation 3642646 (VCV003642646.2).

ClinVar aggregate classification (germline): Uncertain significance (1 of 4 stars; one submission).

gnomAD v4.1: 5 of 1,612,618 alleles (0.00031%); highest among the groups gnomAD compares: Non-Finnish European, 0.00042%; no homozygotes.

Submission:

Labcorp Genetics (formerly Invitae), Labcorp
Classification: Uncertain significance. Last evaluated: 2024-02-22. Review status: criteria provided, single submitter. Criteria: Invitae Variant Classification Sherloc (09022015). Collection method: clinical testing. Allele origin: germline.
Comment: This sequence change replaces isoleucine, which is neutral and non-polar, with serine, which is neutral and polar, at codon 240 of the ASAH1 protein (p.Ile240Ser). This variant is present in population databases (rs764695416, gnomAD 0.0009%). This variant has not been reported in the literature in individuals affected with ASAH1-related conditions. Advanced modeling of protein sequence and biophysical properties (such as structural, functional, and spatial information, amino acid conservation, physicochemical variation, residue mobility, and thermodynamic stability) performed at Invitae indicates that this missense variant is not expected to disrupt ASAH1 protein function with a negative predictive value of 80%. In summary, the available evidence is currently insufficient to determine the role of this variant in disease. Therefore, it has been classified as a Variant of Uncertain Significance.